The following is an entry in ClinVar:

NM_000059.4(BRCA2):c.8665G>T (p.Ala2889Ser)

Gene: BRCA2 (BRCA2 DNA repair associated; plus strand). Cytogenetic location: 13q13.1.
Variant type: single nucleotide variant.
Coding change: c.8665G>T on transcript NM_000059.4 (MANE Select); coding-DNA position 8665, G replaced by T.
Protein change: p.Ala2889Ser; replaces alanine 2889 with serine.
Molecular consequence: missense variant.
Genome position (GRCh38, 1-based): chr13:32,376,702, G>T. VCF-style: chr13-32376702-G-T. GRCh37 (hg19) VCF-style: chr13-32950839-G-T.
Other names: short protein forms A2889S.
Identifiers: ClinVar variation 52654 (VCV000052654.19), dbSNP rs80359126, ClinGen allele CA025771.

ClinVar aggregate classification (germline): Conflicting classifications of pathogenicity. Review status: criteria provided, conflicting classifications (1 of 4 stars). 5 submissions from 5 submitters: Uncertain significance (3); Benign (1). 1 of the submissions does not count toward it. Last evaluated 2026-01-05.

Conditions:
Hereditary breast ovarian cancer syndrome. Also called: Hereditary breast and ovarian cancer syndrome; Hereditary breast and ovarian cancer; Hereditary breast and ovarian cancer syndrome (HBOC); Breast and ovarian cancer; Hereditary breast and/or ovarian cancer syndrome; BRCA1- and BRCA2-Associated Hereditary Breast and Ovarian Cancer. Identifiers: Orphanet 145, MedGen C0677776, MeSH D061325, MONDO:0003582. Disease mechanism: loss of function.
Hereditary cancer-predisposing syndrome. Also called: Neoplastic Syndromes, Hereditary; Tumor predisposition; Hereditary neoplastic syndrome; Hereditary Cancer Syndrome. Identifiers: Orphanet 140162, MedGen C0027672, MeSH D009386, MONDO:0015356.
Breast-ovarian cancer, familial, susceptibility to, 2 (BROVCA2). Also called: BRCA2 Hereditary Breast and Ovarian Cancer. Identifiers: Orphanet 145, MedGen C2675520, MONDO:0012933, OMIM 612555. Disease mechanism: loss of function.

Submissions (5):

Labcorp Genetics (formerly Invitae), Labcorp
Classification: Uncertain significance for Hereditary breast ovarian cancer syndrome. Last evaluated: 2026-01-05. Review status: criteria provided, single submitter. Criteria: Invitae Variant Classification Sherloc (09022015). Collection method: clinical testing. Allele origin: germline.
Comment: This sequence change replaces alanine, which is neutral and non-polar, with serine, which is neutral and polar, at codon 2889 of the BRCA2 protein (p.Ala2889Ser). This variant is not present in population databases (gnomAD no frequency). This missense change has been observed in individual(s) with epithelial ovarian cancer (PMID: 16284991). ClinVar contains an entry for this variant (Variation ID: 52654). Invitae Evidence Modeling of protein sequence and biophysical properties (such as structural, functional, and spatial information, amino acid conservation, physicochemical variation, residue mobility, and thermodynamic stability) indicates that this missense variant is not expected to disrupt BRCA2 protein function with a negative predictive value of 95%. In summary, the available evidence is currently insufficient to determine the role of this variant in disease. Therefore, it has been classified as a Variant of Uncertain Significance.

Ambry Genetics
Classification: Benign for Hereditary cancer-predisposing syndrome. Last evaluated: 2025-05-23. Review status: criteria provided, single submitter. Criteria: Ambry Variant Classification Scheme 2023. Collection method: clinical testing. Allele origin: germline.

Color Diagnostics, LLC DBA Color Health
Classification: Uncertain significance for Hereditary cancer-predisposing syndrome. Last evaluated: 2021-01-05. Review status: criteria provided, single submitter. Criteria: ACMG Guidelines, 2015. Collection method: clinical testing. Allele origin: germline.
Comment: This missense variant replaces alanine with serine at codon 2889 of the BRCA2 protein. Computational prediction suggests that this variant may not impact protein structure and function (internally defined REVEL score threshold <= 0.5, PMID: 27666373). To our knowledge, functional studies have not been reported for this variant. This variant has not been reported in individuals affected with ovarian cancer (PMID: 16284991). This variant has not been identified in the general population by the Genome Aggregation Database (gnomAD). The available evidence is insufficient to determine the role of this variant in disease conclusively. Therefore, this variant is classified as a Variant of Uncertain Significance.

GeneDx
Classification: Uncertain significance. Last evaluated: 2020-07-21. Review status: criteria provided, single submitter. Criteria: GeneDx Variant Classification Process June 2021. Collection method: clinical testing. Allele origin: germline. Affected: yes.
Comment: Not observed in large population cohorts (Lek 2016); In silico analysis supports that this missense variant does not alter protein structure/function; Observed in an individual with ovarian cancer (Pal 2005); Also known as 8893G>T; This variant is associated with the following publications: (PMID: 27882345, 16284991, 19043619, 27150160)

Breast Cancer Information Core (BIC) (BRCA2)
Classification: Uncertain significance for Breast-ovarian cancer, familial 2. Last evaluated: 2003-12-23. Review status: no assertion criteria provided. Collection method: clinical testing. Allele origin: germline. Affected: yes. Observed: 1 variant allele. Not counted in ClinVar's aggregate classification.

Literature cited by the submitters: PubMed 16284991 (cited by Labcorp Genetics (formerly Invitae), Labcorp).